The following is an entry in ClinVar:

ClinVar aggregate classification (germline): Uncertain significance (1 of 4 stars; one submission).

Conditions:
Hereditary nonpolyposis colorectal neoplasms. Identifiers: MedGen C0009405, MeSH D003123.

gnomAD v4.1: 1 of 1,559,106 alleles (0.000064%); highest among the groups gnomAD compares: African/African-American, 0.0014%; no homozygotes.

Submission:

Labcorp Genetics (formerly Invitae), Labcorp
Classification: Uncertain significance for Hereditary nonpolyposis colorectal neoplasms. Last evaluated: 2025-10-01. Review status: criteria provided, single submitter. Criteria: Invitae Variant Classification Sherloc (09022015). Collection method: clinical testing. Allele origin: germline.
Comment: This sequence change replaces lysine, which is basic and polar, with methionine, which is neutral and non-polar, at codon 57 of the PMS2 protein (p.Lys57Met). This variant is present in population databases (rs765474498, gnomAD 0.007%). This variant has not been reported in the literature in individuals affected with PMS2-related conditions. Invitae Evidence Modeling incorporating data from in vitro experimental studies (internal data) indicates that this missense variant is not expected to disrupt PMS2 function with a negative predictive value of 95%. In summary, the available evidence is currently insufficient to determine the role of this variant in disease. Therefore, it has been classified as a Variant of Uncertain Significance.

NM_000535.7(PMS2):c.170A>T (p.Lys57Met)

Gene: PMS2 (PMS1 homolog 2, mismatch repair system component; minus strand). Cytogenetic location: 7p22.1.
Variant type: single nucleotide variant.
Coding change: c.170A>T on transcript NM_000535.7 (MANE Select); coding-DNA position 170, A replaced by T.
Protein change: p.Lys57Met; replaces lysine 57 with methionine.
Molecular consequence: missense variant. On other transcripts: 5 prime UTR variant (44), non-coding transcript variant (1), intron variant (1).
Genome position (GRCh38, 1-based): chr7:6,004,052, T>A on the plus strand (A>T on the coding strand, the complement: PMS2 is on the minus strand). VCF-style: chr7-6004052-T-A. GRCh37 (hg19) VCF-style: chr7-6043683-T-A.
Other names: c.-236A>T (NM_001322003.2, NM_001322004.2, NM_001322005.2 and 13 more transcripts); c.170A>T, p.Lys57Met (NM_001322006.2, NM_001322014.2, NM_001406868.1 and 10 more transcripts); c.-46A>T (NM_001322007.2, NM_001322008.2, NM_001406876.1 and 4 more transcripts); c.-715A>T (NM_001322011.2, NM_001322012.2); c.-315A>T (NM_001322015.2, NM_001406875.1, NM_001406877.1 and 3 more transcripts); c.356A>T, p.Lys119Met (NM_001406866.1); c.-262A>T (NM_001406880.1); c.-212A>T (NM_001406881.1, NM_001406900.1); and 3 more; short protein forms K119M, K57M.
Identifiers: ClinVar variation 4711253 (VCV004711253.1).